The following is an entry in ClinVar:

NM_001042492.3(NF1):c.2729G>A (p.Gly910Glu)

Gene: NF1 (neurofibromin 1; plus strand). Cytogenetic location: 17q11.2.
Variant type: single nucleotide variant.
Coding change: c.2729G>A on transcript NM_001042492.3 (MANE Select); coding-DNA position 2729, G replaced by A.
Protein change: p.Gly910Glu; replaces glycine 910 with glutamic acid.
Molecular consequence: missense variant.
Genome position (GRCh38, 1-based): chr17:31,229,344, G>A. VCF-style: chr17-31229344-G-A. GRCh37 (hg19) VCF-style: chr17-29556362-G-A.
Other names: c.2729G>A, p.Gly910Glu (NM_000267.4); short protein forms G910E.
Identifiers: ClinVar variation 1795265 (VCV001795265.2), dbSNP rs2067072272, ClinGen allele CA398985204.

ClinVar aggregate classification (germline): Uncertain significance (1 of 4 stars; one submission).

Conditions:
Cardiovascular phenotype. Identifiers: MedGen CN230736.
Hereditary cancer-predisposing syndrome. Also called: Tumor predisposition; Hereditary Cancer Syndrome; Neoplastic Syndromes, Hereditary; Hereditary neoplastic syndrome. Identifiers: Orphanet 140162, MedGen C0027672, MeSH D009386, MONDO:0015356.

Submission:

Ambry Genetics
Classification: Uncertain significance for Cardiovascular phenotype; Hereditary cancer-predisposing syndrome. Last evaluated: 2022-04-10. Review status: criteria provided, single submitter. Criteria: Ambry Variant Classification Scheme 2023. Collection method: clinical testing. Allele origin: germline.
Comment: The p.G910E variant (also known as c.2729G>A), located in coding exon 21 of the NF1 gene, results from a G to A substitution at nucleotide position 2729. The glycine at codon 910 is replaced by glutamic acid, an amino acid with similar properties. This amino acid position is conserved. In addition, this alteration is predicted to be deleterious by in silico analysis. Since supporting evidence is limited at this time, the clinical significance of this alteration remains unclear.